The following is an entry in ClinVar:

ClinVar aggregate classification (germline): Uncertain significance (1 of 4 stars; one submission).

Conditions:
Hereditary cancer-predisposing syndrome. Also called: Tumor predisposition; Hereditary neoplastic syndrome; Hereditary Cancer Syndrome; Neoplastic Syndromes, Hereditary. Identifiers: Orphanet 140162, MedGen C0027672, MeSH D009386, MONDO:0015356.

Submission:

Ambry Genetics
Classification: Uncertain significance for Hereditary cancer-predisposing syndrome. Last evaluated: 2023-12-15. Review status: criteria provided, single submitter. Criteria: Ambry Variant Classification Scheme 2023. Collection method: clinical testing. Allele origin: germline.
Comment: The p.D36E variant (also known as c.108T>G), located in coding exon 2 of the XRCC2 gene, results from a T to G substitution at nucleotide position 108. The aspartic acid at codon 36 is replaced by glutamic acid, an amino acid with highly similar properties. This amino acid position is conserved. In addition, this alteration is predicted to be tolerated by in silico analysis. Since supporting evidence is limited at this time, the clinical significance of this alteration remains unclear.

NM_005431.2(XRCC2):c.108T>G (p.Asp36Glu)

Gene: XRCC2 (X-ray repair cross complementing 2; minus strand). Cytogenetic location: 7q36.1.
Variant type: single nucleotide variant.
Coding change: c.108T>G on transcript NM_005431.2 (MANE Select); coding-DNA position 108, T replaced by G.
Protein change: p.Asp36Glu; replaces aspartic acid 36 with glutamic acid.
Molecular consequence: missense variant.
Genome position (GRCh38, 1-based): chr7:152,660,714, A>C on the plus strand (T>G on the coding strand, the complement: XRCC2 is on the minus strand). VCF-style: chr7-152660714-A-C. GRCh37 (hg19) VCF-style: chr7-152357799-A-C.
Other names: short protein forms D36E.
Identifiers: ClinVar variation 3224659 (VCV003224659.1), dbSNP rs1590134276, ClinGen allele CA370199418.